The following is an entry in ClinVar:

NM_025137.4(SPG11):c.6737_6740del (p.Ile2246fs)

Gene: SPG11 (SPG11 vesicle trafficking associated, spatacsin; minus strand). Cytogenetic location: 15q21.1.
Variant type: Microsatellite.
Coding change: c.6737_6740del on transcript NM_025137.4 (MANE Select); coding-DNA positions 6737 to 6740, 4 bases deleted (TTGA; older notation c.6737_6740delTTGA).
Protein change: p.Ile2246fs; shifts the reading frame from isoleucine 2246.
Molecular consequence: frameshift variant.
Genome position (GRCh38, 1-based): chr15:44,567,438-44,567,441, TCAA deleted on the plus strand (TTGA on the coding strand, the reverse complement: SPG11 is on the minus strand); deleting any 4 consecutive bases within chr15:44,567,438-44,567,446 gives the same sequence; the c. name uses the placement nearest the transcript's 3' end. VCF-style (leftmost placement, unchanged base first): chr15-44567437-CTCAA-C. GRCh37 (hg19) VCF-style: chr15-44859635-CTCAA-C.
Other names: c.6737_6740del (NM_025137.3); c.6398_6401del, p.Ile2133fs (NM_001160227.2); short protein forms I2133fs, I2246fs.
Identifiers: ClinVar variation 41347 (VCV000041347.55), dbSNP rs312262781, ClinGen allele CA344379.
Genomic context (GRCh38, chr15:44,567,437, plus strand): 5'-CCTAGCTAGCAGCACTGTTCTGGTAGTGTGGCTGTGACCTCACTCACCCCAGGGCTGAGA[CTCAA>C]TCAATTTCAGTTGGATGCGGGCAGCTGCCTCGTGGTTCTCGCCAATCTCCCGGCACATGC-3'

ClinVar aggregate classification (germline): Pathogenic/Likely pathogenic. Review status: criteria provided, multiple submitters, no conflicts (2 of 4 stars). 8 submissions from 8 submitters: Pathogenic (6); Likely pathogenic (1). 1 of the submissions does not count toward it. Last evaluated 2026-09-01.

Conditions:
Charcot-Marie-Tooth disease axonal type 2X. Also called: CHARCOT-MARIE-TOOTH DISEASE, AXONAL, AUTOSOMAL RECESSIVE, TYPE 2X; CHARCOT-MARIE-TOOTH NEUROPATHY, TYPE 2X. Identifiers: Orphanet 466775, MedGen C5569024, MONDO:0014726, OMIM 616668.
Amyotrophic lateral sclerosis type 5 (ALS5). Also called: AMYOTROPHIC LATERAL SCLEROSIS 5, JUVENILE. Identifiers: Orphanet 300605, MedGen C1865864, MONDO:0011196, OMIM 602099.
Hereditary spastic paraplegia 11. Also called: Spastic Paraplegia 11; Spastic paraplegia, mental retardation and thin corpus callosum; Nakamura Osame syndrome; Autosomal recessive hereditary spastic paraplegia, mental impairment, and thin corpus callosum; SPASTIC PARAPLEGIA, AUTOSOMAL RECESSIVE, COMPLICATED, WITH THIN CORPUS CALLOSUM; SPASTIC PARAPLEGIA, AUTOSOMAL RECESSIVE, WITH MENTAL IMPAIRMENT AND THIN CORPUS CALLOSUM. Identifiers: Orphanet 2822, MedGen C1858479, MONDO:0011445, OMIM 604360.

Submissions (8):

CeGaT Center for Human Genetics Tuebingen
Classification: Pathogenic. Last evaluated: 2026-09-01. Review status: criteria provided, single submitter. Criteria: CeGaT Center For Human Genetics Tuebingen Variant Classification Criteria Version 2. Collection method: clinical testing. Allele origin: germline. Affected: yes. Observed: 2 variant alleles.
Comment: SPG11: PVS1, PM2, PM3

3billion
Classification: Pathogenic for Hereditary spastic paraplegia 11. Last evaluated: 2024-09-12. Review status: criteria provided, single submitter. Criteria: ACMG Guidelines, 2015. Collection method: clinical testing. Allele origin: germline. Affected: yes.
Comment: The variant is observed at an extremely low frequency in the gnomAD v4.0.0 dataset (total allele frequency: <0.001%). Predicted Consequence/Location: Frameshift: predicted to result in a loss or disruption of normal protein function through nonsense-mediated decay (NMD) or protein truncation. Multiple pathogenic variants are reported downstream of the variant. The variant has been reported at least twice as pathogenic with clinical assertions and evidence for the classification (ClinVar ID: VCV000041347 /PMID: 18079167). Therefore, this variant is classified as Pathogenic according to the recommendation of ACMG/AMP guideline.

Genetic Foundation of Khorasan Razavi (GFKR)
Classification: Pathogenic for Hereditary spastic paraplegia 11. Last evaluated: 2023-12-27. Review status: criteria provided, single submitter. Criteria: ACMG Guidelines, 2015. Collection method: clinical testing. Allele origin: inherited. Affected: yes. Observed: 1 homozygote.
Comment: This variant is absent from population databases, supporting its rarity in the general population. It is predicted to result in loss of function through a truncating effect, in a gene where loss of function is a well-established mechanism of disease. Taken together, these lines of evidence support a pathogenic classification according to ACMG/AMP guidelines. Although previous submissions to ClinVar have reported this variant with differing interpretations, including pathogenic and likely pathogenic(VCV000041347.47), the evidence presented here supports a pathogenic classification.

Labcorp Genetics (formerly Invitae), Labcorp
Classification: Pathogenic for Hereditary spastic paraplegia 11. Last evaluated: 2023-12-27. Review status: criteria provided, single submitter. Criteria: Invitae Variant Classification Sherloc (09022015). Collection method: clinical testing. Allele origin: germline.
Comment: This sequence change creates a premature translational stop signal (p.Ile2246Serfs*15) in the SPG11 gene. It is expected to result in an absent or disrupted protein product. Loss-of-function variants in SPG11 are known to be pathogenic (PMID: 19105190, 20110243, 22154821, 26556829). This variant is present in population databases (rs312262781, gnomAD 0.006%). This premature translational stop signal has been observed in individual(s) with hereditary spastic paraplegia (PMID: 18079167). In at least one individual the data is consistent with being in trans (on the opposite chromosome) from a pathogenic variant. It has also been observed to segregate with disease in related individuals. ClinVar contains an entry for this variant (Variation ID: 41347). For these reasons, this variant has been classified as Pathogenic.

AiLife Diagnostics
Classification: Pathogenic. Last evaluated: 2022-03-28. Review status: criteria provided, single submitter. Criteria: ACMG Guidelines, 2015. Collection method: clinical testing. Allele origin: germline. Affected: yes. Observed: 1 variant allele.

Fulgent Genetics
Classification: Pathogenic for Amyotrophic lateral sclerosis type 5; Hereditary spastic paraplegia 11; Charcot-Marie-Tooth disease axonal type 2X. Last evaluated: 2021-07-09. Review status: criteria provided, single submitter. Criteria: ACMG Guidelines, 2015. Collection method: clinical testing. Allele origin: unknown.

Genome-Nilou Lab
Classification: Likely pathogenic for Hereditary spastic paraplegia 11. Review status: criteria provided, single submitter. Criteria: ACMG Guidelines, 2015. Collection method: clinical testing. Allele origin: germline.

GeneReviews
No classification provided. Condition: Hereditary spastic paraplegia 11. Review status: no classification provided. Collection method: literature only. Allele origin: unknown. Not counted in ClinVar's aggregate classification.

Literature cited by the submitters: PubMed 18079167 (cited by 4 submitters); PubMed 19105190 (cited by Labcorp Genetics (formerly Invitae), Labcorp); PubMed 20110243 (cited by Labcorp Genetics (formerly Invitae), Labcorp); PubMed 22154821 (cited by Labcorp Genetics (formerly Invitae), Labcorp); PubMed 26556829 (cited by Labcorp Genetics (formerly Invitae), Labcorp); PubMed 31589614 (cited by AiLife Diagnostics); PubMed 20301389 (cited by GeneReviews); NCBI Bookshelf NBK1210 (cited by GeneReviews).